The following is an entry in ClinVar:

ClinVar aggregate classification (germline): Benign (1 of 4 stars; one submission).

gnomAD v4.1: 358 of 1,612,452 alleles (0.022%); highest among the groups gnomAD compares: Admixed American, 0.033%; no homozygotes.

Submission:

CeGaT Center for Human Genetics Tuebingen
Classification: Benign. Last evaluated: 2026-01-01. Review status: criteria provided, single submitter. Criteria: CeGaT Center For Human Genetics Tuebingen Variant Classification Criteria Version 2. Collection method: clinical testing. Allele origin: germline. Affected: yes. Observed: 3 variant alleles.
Comment: KDM6B: BP4, BS1, BS2

NM_001348716.2(KDM6B):c.2171C>T (p.Pro724Leu)

Gene: KDM6B (lysine demethylase 6B; plus strand). Cytogenetic location: 17p13.1.
Variant type: single nucleotide variant.
Coding change: c.2171C>T on transcript NM_001348716.2 (MANE Select); coding-DNA position 2171, C replaced by T.
Protein change: p.Pro724Leu; replaces proline 724 with leucine.
Molecular consequence: missense variant.
Genome position (GRCh38, 1-based): chr17:7,848,459, C>T. VCF-style: chr17-7848459-C-T. GRCh37 (hg19) VCF-style: chr17-7751777-C-T.
Other names: c.2171C>T, p.Pro724Leu (NM_001080424.2); short protein forms P724L.
Identifiers: ClinVar variation 3388523 (VCV003388523.14).
Genomic context (GRCh38, chr17:7,848,459, plus strand): 5'-AATCCATTCGCAAGGAAGAGGAACAGCAACAACACGAAGCAGGCGTGGCCCCCCAACCCC[C>T]GCTGAAGGAGCCCTTTGCATCTCTGCAGTCTCCTTTCCCCACCGACACAGCCCCCACCAC-3'
Protein context (NP_001335645.1, residues 714-734): QHEAGVAPQP[Pro724Leu]LKEPFASLQS